The following is an entry in ClinVar:

ClinVar aggregate classification (germline): Pathogenic (1 of 4 stars; one submission).

Submission:

GeneDx
Classification: Pathogenic. Last evaluated: 2017-11-03. Review status: criteria provided, single submitter. Criteria: GeneDx Variant Classification (06012015). Collection method: clinical testing. Allele origin: germline. Affected: yes.
Comment: The E135X variant in the SON gene has not been reported previously as a pathogenic variant nor as a benign variant, to our knowledge. This variant is predicted to cause loss of normal protein function either through protein truncation or nonsense-mediated mRNA decay. The E135X variant is not observed in large population cohorts (Lek et al., 2016). We interpret E135X as a pathogenic variant.

NM_138927.4(SON):c.403G>T (p.Glu135Ter)

Gene: SON (SON DNA and RNA binding protein; plus strand). Cytogenetic location: 21q22.11.
Variant type: single nucleotide variant.
Coding change: c.403G>T on transcript NM_138927.4 (MANE Select); coding-DNA position 403, G replaced by T.
Protein change: p.Glu135Ter; replaces glutamic acid 135 with a stop codon.
Molecular consequence: nonsense. On other transcripts: non-coding transcript variant (1), intron variant (1).
Genome position (GRCh38, 1-based): chr21:33,549,634, G>T. VCF-style: chr21-33549634-G-T. GRCh37 (hg19) VCF-style: chr21-34921940-G-T.
Other names: c.403G>T, p.Glu135Ter (NM_001291411.2, NM_032195.3); c.244+3255G>T (NM_001291412.3); short protein forms E135*.
Identifiers: ClinVar variation 489105 (VCV000489105.2), dbSNP rs1555897997, ClinGen allele CA410150905.